The following is an entry in ClinVar:

NM_001148.6(ANK2):c.10570A>G (p.Thr3524Ala)

Gene: ANK2 (ankyrin 2; plus strand). Cytogenetic location: 4q26.
Variant type: single nucleotide variant.
Coding change: c.10570A>G on transcript NM_001148.6 (MANE Select); coding-DNA position 10570, A replaced by G.
Protein change: p.Thr3524Ala; replaces threonine 3524 with alanine.
Molecular consequence: missense variant. On other transcripts: intron variant (68).
Genome position (GRCh38, 1-based): chr4:113,359,188, A>G. VCF-style: chr4-113359188-A-G. GRCh37 (hg19) VCF-style: chr4-114280344-A-G.
Other names: c.10336A>G, p.Thr3446Ala (NM_001386142.1); c.6970A>G, p.Thr2324Ala (NM_001386166.1); c.10711A>G, p.Thr3571Ala (NM_001386174.1); c.10687A>G, p.Thr3563Ala (NM_001386175.1); c.4412-1635A>G (NM_001386186.2, NM_001386148.2); c.4214-1635A>G (NM_001354269.3); c.4292-1635A>G (NM_001386187.2); c.4253-1635A>G (NM_001386147.1); and 35 more; short protein forms T2324A, T3563A, T3571A, T3446A, T3524A.
Identifiers: ClinVar variation 4749222 (VCV004749222.1).

ClinVar aggregate classification (germline): Uncertain significance (1 of 4 stars; one submission).

Conditions:
Long QT syndrome (LQTS). Identifiers: MedGen C0023976, MeSH D008133, MONDO:0002442. Disease mechanism: loss of function. Inheritance: Various modes of inheritance.

Submission:

Labcorp Genetics (formerly Invitae), Labcorp
Classification: Uncertain significance for Long QT syndrome. Last evaluated: 2025-12-23. Review status: criteria provided, single submitter. Criteria: Invitae Variant Classification Sherloc (09022015). Collection method: clinical testing. Allele origin: germline.
Comment: This sequence change replaces threonine, which is neutral and polar, with alanine, which is neutral and non-polar, at codon 3524 of the ANK2 protein (p.Thr3524Ala). This variant is not present in population databases (gnomAD no frequency). This variant has not been reported in the literature in individuals affected with ANK2-related conditions. An algorithm developed to predict the effect of missense changes on protein structure and function (PolyPhen-2) suggests that this variant is likely to be tolerated. In summary, the available evidence is currently insufficient to determine the role of this variant in disease. Therefore, it has been classified as a Variant of Uncertain Significance.